The following is an entry in ClinVar:

ClinVar aggregate classification (germline): Likely benign (1 of 4 stars; one submission).

Submission:

CeGaT Center for Human Genetics Tuebingen
Classification: Likely benign. Last evaluated: 2022-10-01. Review status: criteria provided, single submitter. Criteria: CeGaT Center For Human Genetics Tuebingen Variant Classification Criteria Version 2. Collection method: clinical testing. Allele origin: germline. Affected: yes. Observed: 1 variant allele.
Comment: ASPM: PM2:Supporting, BP4, BP7

NM_018136.5(ASPM):c.6363T>G (p.Thr2121=)

Gene: ASPM (assembly factor for spindle microtubules; minus strand). Cytogenetic location: 1q31.3.
Variant type: single nucleotide variant.
Coding change: c.6363T>G on transcript NM_018136.5 (MANE Select); coding-DNA position 6363, T replaced by G.
Protein change: p.Thr2121=; no amino-acid change (threonine 2121 retained).
Molecular consequence: synonymous variant. On other transcripts: intron variant (1).
Genome position (GRCh38, 1-based): chr1:197,102,888, A>C on the plus strand (T>G on the coding strand, the complement: ASPM is on the minus strand). VCF-style: chr1-197102888-A-C. GRCh37 (hg19) VCF-style: chr1-197072018-A-C.
Other names: c.4066-6724T>G (NM_001206846.2).
Identifiers: ClinVar variation 2639702 (VCV002639702.24), dbSNP rs2527297409, ClinGen allele CA422806483.